The following is an entry in ClinVar:

ClinVar aggregate classification (germline): Uncertain significance (1 of 4 stars; one submission).

Allele frequency attached by ClinVar (database versions not stated): gnomAD exomes below 0.00001.
gnomAD v4.1: 2 of 1,573,462 alleles (0.00013%); highest among the groups gnomAD compares: East Asian, 0.0046%; no homozygotes.

Submission:

Labcorp Genetics (formerly Invitae), Labcorp
Classification: Uncertain significance. Last evaluated: 2023-07-07. Review status: criteria provided, single submitter. Criteria: Invitae Variant Classification Sherloc (09022015). Collection method: clinical testing. Allele origin: germline.
Comment: In summary, the available evidence is currently insufficient to determine the role of this variant in disease. Therefore, it has been classified as a Variant of Uncertain Significance. Advanced modeling of protein sequence and biophysical properties (such as structural, functional, and spatial information, amino acid conservation, physicochemical variation, residue mobility, and thermodynamic stability) performed at Invitae indicates that this missense variant is not expected to disrupt PHIP protein function. ClinVar contains an entry for this variant (Variation ID: 2014676). This variant has not been reported in the literature in individuals affected with PHIP-related conditions. This variant is present in population databases (no rsID available, gnomAD 0.007%). This sequence change replaces asparagine, which is neutral and polar, with serine, which is neutral and polar, at codon 1311 of the PHIP protein (p.Asn1311Ser).

NM_017934.7(PHIP):c.3932A>G (p.Asn1311Ser)

Genes: IRAK1BP1 (interleukin 1 receptor associated kinase 1 binding protein 1; plus strand), PHIP (PHIP subunit of CUL4-Ring ligase complex; minus strand). Cytogenetic location: 6q14.1.
Variant type: single nucleotide variant.
Coding change: c.3932A>G on transcript NM_017934.7 (MANE Select); coding-DNA position 3932, A replaced by G.
Protein change: p.Asn1311Ser; replaces asparagine 1311 with serine.
Molecular consequence: missense variant.
Genome position (GRCh38, 1-based): chr6:78,954,935, T>C on the plus strand (A>G on the coding strand, the complement: PHIP is on the minus strand). VCF-style: chr6-78954935-T-C. GRCh37 (hg19) VCF-style: chr6-79664652-T-C.
Other names: short protein forms N1311S.
Identifiers: ClinVar variation 2014676 (VCV002014676.4), dbSNP rs1189085518, ClinGen allele CA364643455.
Genomic context (GRCh38, chr6:78,954,935, plus strand): 5'-AGATTTAACAATTCTTCACACTGTTTCTTCCATGCTTGAATATCGTAAGACTGGGCTCTA[T>C]TACGTAATCTTCTTCTAGGCTGATGGTCCTGTGATAAAAGTGTTCAAATATATTAATAAA-3'
Protein context (NP_060404.4, residues 1301-1321): KDHQPRRRLR[Asn1311Ser]RAQSYDIQAW